The following is an entry in ClinVar:

ClinVar aggregate classification (germline): Uncertain significance (1 of 4 stars; one submission).

Submission:

Labcorp Genetics (formerly Invitae), Labcorp
Classification: Uncertain significance. Last evaluated: 2025-12-10. Review status: criteria provided, single submitter. Criteria: Invitae Variant Classification Sherloc (09022015). Collection method: clinical testing. Allele origin: germline.
Comment: This sequence change replaces leucine, which is neutral and non-polar, with proline, which is neutral and non-polar, at codon 942 of the TOP2B protein (p.Leu942Pro). This variant is not present in population databases (gnomAD no frequency). This variant has not been reported in the literature in individuals affected with TOP2B-related conditions. An algorithm developed to predict the effect of missense changes on protein structure and function (PolyPhen-2) suggests that this variant is likely to be disruptive. In summary, the available evidence is currently insufficient to determine the role of this variant in disease. Therefore, it has been classified as a Variant of Uncertain Significance.

NM_001330700.2(TOP2B):c.2840T>C (p.Leu947Pro)

Gene: TOP2B (DNA topoisomerase II beta; minus strand). Cytogenetic location: 3p24.2.
Variant type: single nucleotide variant.
Coding change: c.2840T>C on transcript NM_001330700.2 (MANE Select); coding-DNA position 2840, T replaced by C.
Protein change: p.Leu947Pro; replaces leucine 947 with proline.
Molecular consequence: missense variant.
Genome position (GRCh38, 1-based): chr3:25,620,704, A>G on the plus strand (T>C on the coding strand, the complement: TOP2B is on the minus strand). VCF-style: chr3-25620704-A-G. GRCh37 (hg19) VCF-style: chr3-25662195-A-G.
Other names: c.2825T>C, p.Leu942Pro (NM_001068.3); short protein forms L947P, L942P.
Identifiers: ClinVar variation 4732959 (VCV004732959.1).